The following is an entry in ClinVar:

ClinVar aggregate classification (germline): Uncertain significance (1 of 4 stars; one submission).

Conditions:
Chromosome 2q32-q33 deletion syndrome (GLASS). Also called: Glass syndrome; 2q33.1 deletion syndrome. Identifiers: Orphanet 251019, MedGen C2676739, MONDO:0012864, OMIM 612313.

gnomAD v4.1: 2 of 1,614,054 alleles (0.00012%); no homozygotes.

Submission:

Labcorp Genetics (formerly Invitae), Labcorp
Classification: Uncertain significance for Chromosome 2q32-q33 deletion syndrome. Last evaluated: 2025-04-11. Review status: criteria provided, single submitter. Criteria: Invitae Variant Classification Sherloc (09022015). Collection method: clinical testing. Allele origin: germline.
Comment: This sequence change replaces asparagine, which is neutral and polar, with serine, which is neutral and polar, at codon 284 of the SATB2 protein (p.Asn284Ser). This variant is not present in population databases (gnomAD no frequency). This variant has not been reported in the literature in individuals affected with SATB2-related conditions. Invitae Evidence Modeling of protein sequence and biophysical properties (such as structural, functional, and spatial information, amino acid conservation, physicochemical variation, residue mobility, and thermodynamic stability) indicates that this missense variant is not expected to disrupt SATB2 protein function with a negative predictive value of 80%. In summary, the available evidence is currently insufficient to determine the role of this variant in disease. Therefore, it has been classified as a Variant of Uncertain Significance.

NM_001172509.2(SATB2):c.851A>G (p.Asn284Ser)

Gene: SATB2 (SATB homeobox 2; minus strand). Cytogenetic location: 2q33.1.
Variant type: single nucleotide variant.
Coding change: c.851A>G on transcript NM_001172509.2 (MANE Select); coding-DNA position 851, A replaced by G.
Protein change: p.Asn284Ser; replaces asparagine 284 with serine.
Molecular consequence: missense variant.
Genome position (GRCh38, 1-based): chr2:199,349,023, T>C on the plus strand (A>G on the coding strand, the complement: SATB2 is on the minus strand). VCF-style: chr2-199349023-T-C. GRCh37 (hg19) VCF-style: chr2-200213746-T-C.
Other names: c.851A>G, p.Asn284Ser (NM_001172517.1, NM_015265.4); short protein forms N284S.
Identifiers: ClinVar variation 4811783 (VCV004811783.1).